The following is an entry in ClinVar:

NM_001127511.3(APC):c.165+20395A>C

Gene: APC (APC regulator of Wnt signaling pathway; plus strand). Cytogenetic location: 5q22.2.
Variant type: single nucleotide variant.
Coding change: c.165+20395A>C on transcript NM_001127511.3; 20395 bases into the intron after coding-DNA position 165, A replaced by C.
Molecular consequence: intron variant.
Genome position (GRCh38, 1-based): chr5:112,728,277, A>C. VCF-style: chr5-112728277-A-C. GRCh37 (hg19) VCF-style: chr5-112063974-A-C.
Other names: c.-1054+20395A>C (NM_001407470.1, NM_001407472.1); c.-19+20395A>C (NM_001407447.1, NM_001354895.2, NM_001407456.1 and 3 more transcripts); c.165+20395A>C (NM_001407446.1, NM_001354897.2, NM_001354902.2); c.-19+20628A>C (NM_001407448.1, NM_001407450.1, NM_001407457.1 and 1 more transcripts); c.-43+20628A>C (NM_001407453.1).
Identifiers: ClinVar variation 82704 (VCV000082704.4), dbSNP rs78272631, ClinGen allele CA023480.

ClinVar aggregate classification (germline): other (0 of 4 stars; one submission).

Conditions:
Familial colorectal cancer. Identifiers: MedGen CN280943, MONDO:0023113. Disease mechanism: loss of function.

Submission:

Systems Biology Platform Zhejiang California International NanoSystems Institute
Classification: other for Familial colorectal cancer. Review status: no assertion criteria provided. Collection method: not provided. Allele origin: unknown.
ClinVar note: Converted during submission from cancer to other.